The following is an entry in ClinVar:

ClinVar aggregate classification (germline): Benign/Likely benign. Review status: criteria provided, multiple submitters, no conflicts (2 of 4 stars). 4 submissions from 4 submitters: Benign (2); Likely benign (2). Last evaluated 2026-01-11.

Allele frequency attached by ClinVar (database versions not stated): gnomAD 0.00009 and 0.00013; TOPMed 0.00014; gnomAD exomes 0.00021 and 0.00025; ExAC 0.00024; 1000 Genomes Project 30x 0.00078; 1000 Genomes Project 0.00100.
gnomAD v4.1: 398 of 1,611,822 alleles (0.025%); highest among the groups gnomAD compares: East Asian, 0.74%; 2 homozygotes.

Submissions (4):

Labcorp Genetics (formerly Invitae), Labcorp
Classification: Benign. Last evaluated: 2026-01-11. Review status: criteria provided, single submitter. Criteria: Invitae Variant Classification Sherloc (09022015). Collection method: clinical testing. Allele origin: germline.

Blueprint Genetics
Classification: Likely benign. Last evaluated: 2024-04-04. Review status: criteria provided, single submitter. Criteria: ACMG Guidelines, 2015. Collection method: clinical testing. Allele origin: germline.

CeGaT Center for Human Genetics Tuebingen
Classification: Likely benign. Last evaluated: 2023-02-01. Review status: criteria provided, single submitter. Criteria: CeGaT Center For Human Genetics Tuebingen Variant Classification Criteria Version 2. Collection method: clinical testing. Allele origin: germline. Affected: yes. Observed: 1 variant allele.
Comment: KMT2A: BP4, BP7, BS1

GeneDx
Classification: Benign. Last evaluated: 2020-12-07. Review status: criteria provided, single submitter. Criteria: GeneDx Variant Classification Process June 2021. Collection method: clinical testing. Allele origin: germline. Affected: yes.

NM_001197104.2(KMT2A):c.6492G>A (p.Pro2164=)

Gene: KMT2A (lysine methyltransferase 2A; plus strand). Cytogenetic location: 11q23.3.
Variant type: single nucleotide variant.
Coding change: c.6492G>A on transcript NM_001197104.2 (MANE Select); coding-DNA position 6492, G replaced by A.
Protein change: p.Pro2164=; no amino-acid change (proline 2164 retained).
Molecular consequence: synonymous variant.
Genome position (GRCh38, 1-based): chr11:118,501,844, G>A. VCF-style: chr11-118501844-G-A. GRCh37 (hg19) VCF-style: chr11-118372559-G-A.
Other names: c.6483G>A, p.Pro2161= (NM_005933.4).
Identifiers: ClinVar variation 730411 (VCV000730411.36), dbSNP rs145452548, ClinGen allele CA6304253.